The following is an entry in ClinVar:

NM_005612.5(REST):c.2073G>A (p.Met691Ile)

Gene: REST (RE1 silencing transcription factor; plus strand). Cytogenetic location: 4q12.
Variant type: single nucleotide variant.
Coding change: c.2073G>A on transcript NM_005612.5 (MANE Select); coding-DNA position 2073, G replaced by A.
Protein change: p.Met691Ile; replaces methionine 691 with isoleucine.
Molecular consequence: missense variant.
Genome position (GRCh38, 1-based): chr4:56,930,931, G>A. VCF-style: chr4-56930931-G-A. GRCh37 (hg19) VCF-style: chr4-57797097-G-A.
Other names: c.2073G>A (NM_005612.4); c.2073G>A, p.Met691Ile (NM_001193508.2, NM_001363453.3); short protein forms M691I.
Identifiers: ClinVar variation 1481672 (VCV001481672.9), dbSNP rs2109575868, ClinGen allele CA357008019.

ClinVar aggregate classification (germline): Uncertain significance. Review status: criteria provided, multiple submitters, no conflicts (2 of 4 stars). 2 submissions from 2 submitters: Uncertain significance (2). Last evaluated 2024-11-07.

Conditions:
REST-related disorder. Also called: REST-related condition.

Submissions (2):

PreventionGenetics, part of Exact Sciences
Classification: Uncertain significance for REST-related condition. Last evaluated: 2024-11-07. Review status: criteria provided, single submitter. Criteria: ACMG Guidelines, 2015. Collection method: clinical testing. Allele origin: germline.
Comment: The REST c.2073G>A variant is predicted to result in the amino acid substitution p.Met691Ile. To our knowledge, this variant has not been reported in the literature or in a large population database (gnomAD), indicating this variant is rare. At this time, the clinical significance of this variant is uncertain due to the absence of conclusive functional and genetic evidence.

Labcorp Genetics (formerly Invitae), Labcorp
Classification: Uncertain significance. Last evaluated: 2021-07-07. Review status: criteria provided, single submitter. Criteria: Invitae Variant Classification Sherloc (09022015). Collection method: clinical testing. Allele origin: germline.
Comment: This variant has not been reported in the literature in individuals affected with REST-related conditions. Algorithms developed to predict the effect of missense changes on protein structure and function (SIFT, PolyPhen-2, Align-GVGD) all suggest that this variant is likely to be tolerated. Algorithms developed to predict the effect of sequence changes on RNA splicing suggest that this variant may create or strengthen a splice site. In summary, the available evidence is currently insufficient to determine the role of this variant in disease. Therefore, it has been classified as a Variant of Uncertain Significance. This sequence change replaces methionine with isoleucine at codon 691 of the REST protein (p.Met691Ile). The methionine residue is weakly conserved and there is a small physicochemical difference between methionine and isoleucine. This variant is not present in population databases (ExAC no frequency).